The following is an entry in ClinVar:

NM_002693.3(POLG):c.2885C>T (p.Ala962Val)

Gene: POLG (DNA polymerase gamma, catalytic subunit; minus strand). Cytogenetic location: 15q26.1.
Variant type: single nucleotide variant.
Coding change: c.2885C>T on transcript NM_002693.3 (MANE Select); coding-DNA position 2885, C replaced by T.
Protein change: p.Ala962Val; replaces alanine 962 with valine.
Molecular consequence: missense variant.
Genome position (GRCh38, 1-based): chr15:89,320,862, G>A on the plus strand (C>T on the coding strand, the complement: POLG is on the minus strand). VCF-style: chr15-89320862-G-A. GRCh37 (hg19) VCF-style: chr15-89864093-G-A.
Other names: c.2885C>T, p.Ala962Val (NM_001126131.2); short protein forms A962V.
Identifiers: ClinVar variation 1953883 (VCV001953883.5), dbSNP rs2509216991, ClinGen allele CA393752565.

ClinVar aggregate classification (germline): Uncertain significance (1 of 4 stars; one submission).

Conditions:
Progressive sclerosing poliodystrophy (MTDPS4A). Also called: Mitochondrial DNA Depletion Syndrome 4A; ALPERS PROGRESSIVE INFANTILE POLIODYSTROPHY; NEURONAL DEGENERATION OF CHILDHOOD WITH LIVER DISEASE, PROGRESSIVE; Mitochondrial DNA depletion syndrome 4A (Alpers type); Alpers-Huttenlocher Syndrome (AHS); Alpers Syndrome. Identifiers: Orphanet 726, MedGen C0205710, MONDO:0008758, OMIM 203700.

Submission:

Labcorp Genetics (formerly Invitae), Labcorp
Classification: Uncertain significance for Progressive sclerosing poliodystrophy. Last evaluated: 2022-03-26. Review status: criteria provided, single submitter. Criteria: Invitae Variant Classification Sherloc (09022015). Collection method: clinical testing. Allele origin: germline.
Comment: Algorithms developed to predict the effect of missense changes on protein structure and function (SIFT, PolyPhen-2, Align-GVGD) all suggest that this variant is likely to be disruptive. In summary, the available evidence is currently insufficient to determine the role of this variant in disease. Therefore, it has been classified as a Variant of Uncertain Significance. This variant has not been reported in the literature in individuals affected with POLG-related conditions. This variant is not present in population databases (gnomAD no frequency). This sequence change replaces alanine, which is neutral and non-polar, with valine, which is neutral and non-polar, at codon 962 of the POLG protein (p.Ala962Val).